The following is an entry in ClinVar:

ClinVar aggregate classification (germline): Uncertain significance (0 of 4 stars; one submission).

Conditions:
Radioulnar synostosis. Also called: Congenital radioulnar synostosis. Identifiers: Orphanet 3269, MedGen C0158761, MONDO:0017985, HP:0002974.

Submission:

The Laboratory of Genetics and Metabolism, Hunan Children’s Hospital
Classification: Uncertain significance for radioulnar synostosis. Last evaluated: 2019-05-14. Review status: no assertion criteria provided. Collection method: case-control. Allele origin: maternal. Affected: yes.
Comment: PVS1, PM2, BS4

NM_005585.5(SMAD6):c.452_458del (p.Glu151fs)

Gene: SMAD6 (SMAD family member 6; plus strand). Cytogenetic location: 15q22.31.
Variant type: Deletion.
Coding change: c.452_458del on transcript NM_005585.5 (MANE Select); coding-DNA positions 452 to 458, 7 bases deleted (AGCCGGC; older notation c.452_458delAGCCGGC).
Protein change: p.Glu151fs; shifts the reading frame from glutamic acid 151.
Molecular consequence: frameshift variant. On other transcripts: non-coding transcript variant (1).
Genome position (GRCh38, 1-based): chr15:66,703,710-66,703,716, AGCCGGC deleted. VCF-style (leftmost placement, unchanged base first): chr15-66703709-GAGCCGGC-G. GRCh37 (hg19) VCF-style: chr15-66996047-GAGCCGGC-G.
Other names: short protein forms E151fs.
Identifiers: ClinVar variation 690417 (VCV000690417.2), dbSNP rs1595756941, ClinGen allele CA915946058.